The following is an entry in ClinVar:

NM_001367561.1(DOCK7):c.662G>A (p.Arg221His)

Gene: DOCK7 (dedicator of cytokinesis 7; minus strand). Cytogenetic location: 1p31.3.
Variant type: single nucleotide variant.
Coding change: c.662G>A on transcript NM_001367561.1 (MANE Select); coding-DNA position 662, G replaced by A.
Protein change: p.Arg221His; replaces arginine 221 with histidine.
Molecular consequence: missense variant.
Genome position (GRCh38, 1-based): chr1:62,648,176, C>T on the plus strand (G>A on the coding strand, the complement: DOCK7 is on the minus strand). VCF-style: chr1-62648176-C-T. GRCh37 (hg19) VCF-style: chr1-63113847-C-T.
Other names: c.662G>A, p.Arg221His (NM_001271999.2, NM_001272000.2, NM_001272001.2 and 3 more transcripts); short protein forms R221H.
Identifiers: ClinVar variation 962740 (VCV000962740.7), dbSNP rs761394671, ClinGen allele CA887148.

ClinVar aggregate classification (germline): Uncertain significance (1 of 4 stars; one submission).

Conditions:
Developmental and epileptic encephalopathy, 23 (DEE23). Also called: Epileptic encephalopathy, early infantile, 23. Identifiers: Orphanet 411986, MedGen C4014492, MONDO:0014371, OMIM 615859.

Allele frequency attached by ClinVar (database versions not stated): gnomAD exomes 0.00004 and 0.00008; TOPMed 0.00005; ExAC 0.00007.
gnomAD v4.1: 58 of 1,613,410 alleles (0.0036%); highest among the groups gnomAD compares: Middle Eastern, 0.033%; no homozygotes.

Submission:

Labcorp Genetics (formerly Invitae), Labcorp
Classification: Uncertain significance for Developmental and epileptic encephalopathy, 23. Last evaluated: 2022-08-07. Review status: criteria provided, single submitter. Criteria: Invitae Variant Classification Sherloc (09022015). Collection method: clinical testing. Allele origin: germline.
Comment: This sequence change replaces arginine, which is basic and polar, with histidine, which is basic and polar, at codon 221 of the DOCK7 protein (p.Arg221His). This variant is present in population databases (rs761394671, gnomAD 0.03%). This variant has not been reported in the literature in individuals affected with DOCK7-related conditions. ClinVar contains an entry for this variant (Variation ID: 962740). Algorithms developed to predict the effect of missense changes on protein structure and function output the following: SIFT: "Tolerated"; PolyPhen-2: "Benign"; Align-GVGD: "Class C0". The histidine amino acid residue is found in multiple mammalian species, which suggests that this missense change does not adversely affect protein function. In summary, the available evidence is currently insufficient to determine the role of this variant in disease. Therefore, it has been classified as a Variant of Uncertain Significance.